The following is an entry in ClinVar:

NM_022575.4(VPS16):c.2004+1G>A

Genes: PTPRA (protein tyrosine phosphatase receptor type A; plus strand), VPS16 (VPS16 core subunit of CORVET and HOPS complexes; plus strand). Cytogenetic location: 20p13.
Variant type: single nucleotide variant.
Coding change: c.2004+1G>A on transcript NM_022575.4 (MANE Select); the canonical splice donor site of the intron after coding-DNA position 2004, G replaced by A.
Molecular consequence: splice donor variant.
Genome position (GRCh38, 1-based): chr20:2,865,056, G>A. VCF-style: chr20-2865056-G-A. GRCh37 (hg19) VCF-style: chr20-2845702-G-A.
Other names: c.1572+1G>A (NM_080413.3); c.-299+1G>A (NM_002836.4).
Identifiers: ClinVar variation 4531750 (VCV004531750.1).

ClinVar aggregate classification (germline): Uncertain significance (1 of 4 stars; one submission).

Conditions:
Dystonia 30. Identifiers: MedGen C5543312, MONDO:0025691, OMIM 619291.

gnomAD v4.1: 7 of 1,614,160 alleles (0.00043%); highest among the groups gnomAD compares: Non-Finnish European, 0.00059%; no homozygotes.

Submission:

Victorian Clinical Genetics Services, Murdoch Childrens Research Institute
Classification: Uncertain significance for Dystonia 30. Last evaluated: 2025-02-14. Review status: criteria provided, single submitter. Criteria: ACMG Guidelines, 2015. Collection method: clinical testing. Allele origin: germline. Affected: yes.
Comment: This variant is classified as VUS-3A. Evidence in support of pathogenic classification: Canonical splice site variant without proven consequence on splicing (no functional evidence available); Variant is present in gnomAD <0.01 (v4: 7 heterozygote(s), 0 homozygote(s)); Abnormal splicing is predicted by in silico tool and affected nucleotide is highly conserved. Additional information: This variant is heterozygous; This gene is associated with both recessive and dominant disease. Dystonia 30 (MIM#619291) is associated with autosomal dominant inheritance, while mucopolysaccharidosis-like disorder (MONDO:0100365), VPS16-related is associated with autosomal recessive inheritance (PMID: 33938619, 34013567, 27174565); This variant has no previous evidence of pathogenicity; No published segregation evidence has been identified for this variant; No published functional evidence has been identified for this variant; No comparable splice variants have previous evidence for pathogenicity; Loss of function is a known mechanism of disease in this gene and is associated with dystonia 30 (MIM#619291) and mucopolysaccharidosis-like disorder (MONDO:0100365), VPS16-related; The condition associated with this gene has incomplete penetrance (PMID: 32808683); Variants in this gene are known to have variable expressivity (PMID: 32808683, 34013567); Inheritance information for this variant is not currently available in this individual.

Literature cited by the submitters: PubMed 32808683; PubMed 27174565; PubMed 34013567; PubMed 33938619.